The following is an entry in ClinVar:

NM_001127222.2(CACNA1A):c.2427G>T (p.Arg809=)

Gene: CACNA1A (calcium voltage-gated channel subunit alpha1 A; minus strand). Cytogenetic location: 19p13.13.
Variant type: single nucleotide variant.
Coding change: c.2427G>T on transcript NM_001127222.2 (MANE Select); coding-DNA position 2427, G replaced by T.
Protein change: p.Arg809=; no amino-acid change (arginine 809 retained).
Molecular consequence: synonymous variant.
Genome position (GRCh38, 1-based): chr19:13,299,206, C>A on the plus strand (G>T on the coding strand, the complement: CACNA1A is on the minus strand). VCF-style: chr19-13299206-C-A. GRCh37 (hg19) VCF-style: chr19-13410020-C-A.
Other names: c.2439G>T, p.Arg813= (NM_000068.4, NM_023035.3); c.2430G>T, p.Arg810= (NM_001127221.2, NM_001174080.2).
Identifiers: ClinVar variation 672194 (VCV000672194.1), dbSNP rs1600273948, ClinGen allele CA505785691.

ClinVar aggregate classification (germline): Likely benign (1 of 4 stars; one submission).

Allele frequency attached by ClinVar (database versions not stated): TOPMed 0.00001; gnomAD exomes 0.00002.
gnomAD v4.1: 28 of 1,612,110 alleles (0.0017%); highest among the groups gnomAD compares: Non-Finnish European, 0.0024%; no homozygotes.

Submission:

GeneDx
Classification: Likely benign. Last evaluated: 2018-06-20. Review status: criteria provided, single submitter. Criteria: GeneDx Variant Classification (06012015). Collection method: clinical testing. Allele origin: germline. Affected: yes.
Comment: This variant is considered likely benign or benign based on one or more of the following criteria: it is a conservative change, it occurs at a poorly conserved position in the protein, it is predicted to be benign by multiple in silico algorithms, and/or has population frequency not consistent with disease.